The following is an entry in ClinVar:

ClinVar aggregate classification (germline): Uncertain significance. Review status: criteria provided, multiple submitters, no conflicts (2 of 4 stars). 2 submissions from 2 submitters: Uncertain significance (2). Last evaluated 2025-01-21.

Conditions:
Inborn genetic diseases. Identifiers: MedGen C0950123, MeSH D030342.

Allele frequency attached by ClinVar (database versions not stated): gnomAD 0.00003; TOPMed 0.00003; gnomAD exomes 0.00005 and 0.00008; ExAC 0.00006.
gnomAD v4.1: 114 of 1,613,864 alleles (0.0071%); highest among the groups gnomAD compares: Non-Finnish European, 0.0092%; no homozygotes.

Submissions (2):

Ambry Genetics
Classification: Uncertain significance for Inborn genetic diseases. Last evaluated: 2025-01-21. Review status: criteria provided, single submitter. Criteria: Ambry Variant Classification Scheme 2023. Collection method: clinical testing. Allele origin: germline.

Labcorp Genetics (formerly Invitae), Labcorp
Classification: Uncertain significance. Last evaluated: 2021-09-01. Review status: criteria provided, single submitter. Criteria: Invitae Variant Classification Sherloc (09022015). Collection method: clinical testing. Allele origin: germline.
Comment: This sequence change replaces asparagine with serine at codon 111 of the MMP2 protein (p.Asn111Ser). The asparagine residue is moderately conserved and there is a small physicochemical difference between asparagine and serine. This variant is present in population databases (rs748014472, ExAC 0.01%). This variant has not been reported in the literature in individuals affected with MMP2-related conditions. Algorithms developed to predict the effect of missense changes on protein structure and function are either unavailable or do not agree on the potential impact of this missense change (SIFT: "Deleterious"; PolyPhen-2: "Benign"; Align-GVGD: "Class C0"). Algorithms developed to predict the effect of sequence changes on RNA splicing suggest that this variant may create or strengthen a splice site. In summary, the available evidence is currently insufficient to determine the role of this variant in disease. Therefore, it has been classified as a Variant of Uncertain Significance.

NM_004530.6(MMP2):c.332A>G (p.Asn111Ser)

Gene: MMP2 (matrix metallopeptidase 2; plus strand). Cytogenetic location: 16q12.2.
Variant type: single nucleotide variant.
Coding change: c.332A>G on transcript NM_004530.6 (MANE Select); coding-DNA position 332, A replaced by G.
Protein change: p.Asn111Ser; replaces asparagine 111 with serine.
Molecular consequence: missense variant.
Genome position (GRCh38, 1-based): chr16:55,483,087, A>G. VCF-style: chr16-55483087-A-G. GRCh37 (hg19) VCF-style: chr16-55516999-A-G.
Other names: c.182A>G, p.Asn61Ser (NM_001127891.3); c.104A>G, p.Asn35Ser (NM_001302508.1, NM_001302509.2, NM_001302510.2); c.332A>G (NM_004530.4); short protein forms N111S, N35S, N61S.
Identifiers: ClinVar variation 1058709 (VCV001058709.7), dbSNP rs748014472, ClinGen allele CA8060049.
Genomic context (GRCh38, chr16:55,483,087, plus strand): 5'-AGAATACCATCGAGACCATGCGGAAGCCACGCTGCGGCAACCCAGATGTGGCCAACTACA[A>G]CTTCTTCCCTCGCAAGCCCAAGTGGGACAAGAACCAGATCACATACAGGTGCCGGGGCAG-3'
Protein context (NP_004521.1, residues 101-121): RCGNPDVANY[Asn111Ser]FFPRKPKWDK